The following is an entry in ClinVar:

NM_004974.4(KCNA2):c.289C>T (p.Arg97Ter)

Gene: KCNA2 (potassium voltage-gated channel subfamily A member 2; minus strand). Cytogenetic location: 1p13.3.
Variant type: single nucleotide variant.
Coding change: c.289C>T on transcript NM_004974.4 (MANE Select); coding-DNA position 289, C replaced by T.
Protein change: p.Arg97Ter; replaces arginine 97 with a stop codon.
Molecular consequence: nonsense.
Genome position (GRCh38, 1-based): chr1:110,604,494, G>A on the plus strand (C>T on the coding strand, the complement: KCNA2 is on the minus strand). VCF-style: chr1-110604494-G-A. GRCh37 (hg19) VCF-style: chr1-111147116-G-A.
Other names: c.289C>T, p.Arg97Ter (NM_001204269.2); short protein forms R97*.
Identifiers: ClinVar variation 2125517 (VCV002125517.4), dbSNP rs2524622426, ClinGen allele CA341606039.

ClinVar aggregate classification (germline): Uncertain significance (1 of 4 stars; one submission).

Conditions:
Developmental and epileptic encephalopathy, 32 (DEE32). Also called: Epileptic encephalopathy, early infantile, 32. Identifiers: Orphanet 442835, MedGen C4225350, MONDO:0014607, OMIM 616366.

Submission:

Labcorp Genetics (formerly Invitae), Labcorp
Classification: Uncertain significance for Developmental and epileptic encephalopathy, 32. Last evaluated: 2022-11-19. Review status: criteria provided, single submitter. Criteria: Invitae Variant Classification Sherloc (09022015). Collection method: clinical testing. Allele origin: germline.
Comment: In summary, the available evidence is currently insufficient to determine the role of this variant in disease. Therefore, it has been classified as a Variant of Uncertain Significance. Algorithms developed to predict the effect of sequence changes on RNA splicing suggest that this variant may create or strengthen a splice site. Experimental studies and prediction algorithms are not available or were not evaluated, and the functional significance of this variant is currently unknown. This premature translational stop signal has been observed in at least one individual who was not affected with KCNA2-related conditions (Invitae). This variant has not been reported in the literature in individuals affected with KCNA2-related conditions. This variant is not present in population databases (gnomAD no frequency). This sequence change creates a premature translational stop signal (p.Arg97*) in the KCNA2 gene. While this is not anticipated to result in nonsense mediated decay, it is expected to disrupt the last 403 amino acid(s) of the KCNA2 protein.